The following is an entry in ClinVar:

NM_000478.6(ALPL):c.297+1G>T

Gene: ALPL (alkaline phosphatase, biomineralization associated; plus strand). Cytogenetic location: 1p36.12.
Variant type: single nucleotide variant.
Coding change: c.297+1G>T on transcript NM_000478.6 (MANE Select); the canonical splice donor site of the intron after coding-DNA position 297, G replaced by T.
Molecular consequence: splice donor variant. On other transcripts: intron variant (1).
Genome position (GRCh38, 1-based): chr1:21,561,213, G>T. VCF-style: chr1-21561213-G-T. GRCh37 (hg19) VCF-style: chr1-21887706-G-T.
Other names: c.132+1G>T (NM_001127501.4); c.66+468G>T (NM_001177520.3); c.297+1G>T (NM_001369803.2, NM_001369805.2, NM_001369804.2).
Identifiers: ClinVar variation 3673513 (VCV003673513.2).

ClinVar aggregate classification (germline): Pathogenic (1 of 4 stars; one submission).

gnomAD v4.1: 1 of 1,603,834 alleles (0.000062%); highest among the groups gnomAD compares: Non-Finnish European, 0.000085%; no homozygotes.

Submission:

Labcorp Genetics (formerly Invitae), Labcorp
Classification: Pathogenic. Last evaluated: 2024-06-17. Review status: criteria provided, single submitter. Criteria: Invitae Variant Classification Sherloc (09022015). Collection method: clinical testing. Allele origin: germline.
Comment: This sequence change affects a donor splice site in intron 4 of the ALPL gene. It is expected to disrupt RNA splicing. Variants that disrupt the donor or acceptor splice site typically lead to a loss of protein function (PMID: 16199547), and loss-of-function variants in ALPL are known to be pathogenic (PMID: 3174660, 10679946, 32973344, 33814268). This variant is not present in population databases (gnomAD no frequency). Disruption of this splice site has been observed in individuals with hypophosphatasia (PMID: 36361766; Invitae). Algorithms developed to predict the effect of sequence changes on RNA splicing suggest that this variant may disrupt the consensus splice site. For these reasons, this variant has been classified as Pathogenic.

Literature cited by the submitters: PubMed 16199547; PubMed 3174660; PubMed 10679946; PubMed 32973344; PubMed 33814268; PubMed 36361766.